The following is an entry in ClinVar:

ClinVar aggregate classification (germline): Uncertain significance. Review status: criteria provided, multiple submitters, no conflicts (2 of 4 stars). 3 submissions from 3 submitters: Uncertain significance (3). Last evaluated 2025-03-07.

Conditions:
Nonimmune chronic idiopathic neutropenia of adults. Identifiers: Orphanet 2688, MedGen C1842930, MONDO:0011922, OMIM 607847.
Neutropenia, severe congenital, 2, autosomal dominant. Identifiers: Orphanet 486, MedGen C2751288, MONDO:0013139, OMIM 613107.

Allele frequency attached by ClinVar (database versions not stated): gnomAD 0.00003 and 0.00004; TOPMed 0.00003; ExAC 0.00004.

Submissions (3):

Labcorp Genetics (formerly Invitae), Labcorp
Classification: Uncertain significance for Neutropenia, severe congenital, 2, autosomal dominant. Last evaluated: 2025-03-07. Review status: criteria provided, single submitter. Criteria: Invitae Variant Classification Sherloc (09022015). Collection method: clinical testing. Allele origin: germline.
Comment: This sequence change replaces cysteine, which is neutral and slightly polar, with arginine, which is basic and polar, at codon 245 of the GFI1 protein (p.Cys245Arg). This variant is present in population databases (rs775151292, gnomAD 0.008%). This variant has not been reported in the literature in individuals affected with GFI1-related conditions. ClinVar contains an entry for this variant (Variation ID: 636791). Invitae Evidence Modeling of protein sequence and biophysical properties (such as structural, functional, and spatial information, amino acid conservation, physicochemical variation, residue mobility, and thermodynamic stability) indicates that this missense variant is not expected to disrupt GFI1 protein function with a negative predictive value of 80%. In summary, the available evidence is currently insufficient to determine the role of this variant in disease. Therefore, it has been classified as a Variant of Uncertain Significance.

Blueprint Genetics
Classification: Uncertain significance. Last evaluated: 2024-11-05. Review status: criteria provided, single submitter. Criteria: ACMG Guidelines, 2015. Collection method: clinical testing. Allele origin: germline.

Fulgent Genetics
Classification: Uncertain significance for Nonimmune chronic idiopathic neutropenia of adults; Neutropenia, severe congenital, 2, autosomal dominant. Last evaluated: 2022-04-11. Review status: criteria provided, single submitter. Criteria: ACMG Guidelines, 2015. Collection method: clinical testing. Allele origin: unknown.

NM_005263.5(GFI1):c.733T>C (p.Cys245Arg)

Gene: GFI1 (growth factor independent 1 transcriptional repressor; minus strand). Cytogenetic location: 1p22.1.
Variant type: single nucleotide variant.
Coding change: c.733T>C on transcript NM_005263.5 (MANE Select); coding-DNA position 733, T replaced by C.
Protein change: p.Cys245Arg; replaces cysteine 245 with arginine.
Molecular consequence: missense variant.
Genome position (GRCh38, 1-based): chr1:92,480,654, A>G on the plus strand (T>C on the coding strand, the complement: GFI1 is on the minus strand). VCF-style: chr1-92480654-A-G. GRCh37 (hg19) VCF-style: chr1-92946211-A-G.
Other names: c.733T>C, p.Cys245Arg (NM_001127215.3, NM_001127216.3); short protein forms C245R.
Identifiers: ClinVar variation 636791 (VCV000636791.7), dbSNP rs775151292, ClinGen allele CA951331.